The following is an entry in ClinVar:

ClinVar aggregate classification (germline): Benign. Review status: criteria provided, multiple submitters, no conflicts (2 of 4 stars). 6 submissions from 2 submitters: Benign (6). Last evaluated 2021-05-22.

Conditions:
Sulfate transporter-related osteochondrodysplasia. Also called: DTDST-related dysplasias. Identifiers: MedGen CN120497. Disease mechanism: loss of function.
Achondrogenesis, type IB (ACG1B). Also called: Achondrogenesis Type 1B. Identifiers: Orphanet 932, Orphanet 93298, MedGen C0265274, MONDO:0010966, OMIM 600972.
Multiple epiphyseal dysplasia type 4 (EDM4). Also called: MULTIPLE EPIPHYSEAL DYSPLASIA WITH BILAYERED PATELLAE; MULTIPLE EPIPHYSEAL DYSPLASIA WITH CLUBFOOT; MULTIPLE EPIPHYSEAL DYSPLASIA, AUTOSOMAL RECESSIVE; SLC26A2-Related Multiple Epiphyseal Dysplasia; Multiple Epiphyseal Dysplasia, Recessive. Identifiers: Orphanet 93307, MedGen C1847593, MONDO:0009189, OMIM 226900.
Atelosteogenesis type II (AO2). Also called: NEONATAL OSSEOUS DYSPLASIA I; Neonatal osseous dysplasia 1; SLC26A2-Related Atelosteogenesis. Identifiers: Orphanet 56304, MedGen C1850554, MONDO:0009727, OMIM 256050.
Diastrophic dysplasia (DTD). Also called: Diastrophic dwarfism. Identifiers: Orphanet 628, MedGen C0220726, MONDO:0009107, OMIM 222600.

Allele frequency attached by ClinVar (database versions not stated): gnomAD 0.02901 and 0.03131; TOPMed 0.03290.

Submissions (6):

GeneDx
Classification: Benign. Last evaluated: 2021-05-22. Review status: criteria provided, single submitter. Criteria: GeneDx Variant Classification Process June 2021. Collection method: clinical testing. Allele origin: germline. Affected: yes.

Illumina Laboratory Services, Illumina
Classification: Benign for Achondrogenesis, type IB. Last evaluated: 2018-01-13. Review status: criteria provided, single submitter. Criteria: ICSL Variant Classification Criteria 13 December 2019. Collection method: clinical testing. Allele origin: germline.
Comment: This variant was observed in the ICSL laboratory as part of a predisposition screen in an ostensibly healthy population. It had not been previously curated by ICSL or reported in the Human Gene Mutation Database (HGMD: prior to June 1st, 2018), and was therefore a candidate for classification through an automated scoring system. Utilizing variant allele frequency, disease prevalence and penetrance estimates, and inheritance mode, an automated score was calculated to assess if this variant is too frequent to cause the disease. Based on the score and internal cut-off values, a variant classified as benign is not then subjected to further curation. The score for this variant resulted in a classification of benign for this disease.

Illumina Laboratory Services, Illumina
Classification: Benign for Atelosteogenesis type II. Last evaluated: 2018-01-13. Review status: criteria provided, single submitter. Criteria: ICSL Variant Classification Criteria 13 December 2019. Collection method: clinical testing. Allele origin: germline.
Comment: the same text as in the submission from Illumina Laboratory Services, Illumina above.

Illumina Laboratory Services, Illumina
Classification: Benign for Multiple epiphyseal dysplasia type 4. Last evaluated: 2018-01-13. Review status: criteria provided, single submitter. Criteria: ICSL Variant Classification Criteria 13 December 2019. Collection method: clinical testing. Allele origin: germline.
Comment: the same text as in the submission from Illumina Laboratory Services, Illumina above.

Illumina Laboratory Services, Illumina
Classification: Benign for Osteochondrodysplasia. Last evaluated: 2018-01-13. Review status: criteria provided, single submitter. Criteria: ICSL Variant Classification Criteria 13 December 2019. Collection method: clinical testing. Allele origin: germline.
Comment: the same text as in the submission from Illumina Laboratory Services, Illumina above.

Illumina Laboratory Services, Illumina
Classification: Benign for Diastrophic dysplasia. Last evaluated: 2018-01-13. Review status: criteria provided, single submitter. Criteria: ICSL Variant Classification Criteria 13 December 2019. Collection method: clinical testing. Allele origin: germline.
Comment: the same text as in the submission from Illumina Laboratory Services, Illumina above.

NM_000112.4(SLC26A2):c.*4460G>T

Gene: SLC26A2 (solute carrier family 26 member 2; plus strand). Cytogenetic location: 5q32.
Variant type: single nucleotide variant.
Coding change: c.*4460G>T on transcript NM_000112.4 (MANE Select); 4460 bases downstream of the stop codon, G replaced by T.
Molecular consequence: 3 prime UTR variant.
Genome position (GRCh38, 1-based): chr5:149,986,273, G>T. VCF-style: chr5-149986273-G-T. GRCh37 (hg19) VCF-style: chr5-149365836-G-T.
Identifiers: ClinVar variation 352087 (VCV000352087.6), dbSNP rs111742763, ClinGen allele CA10623634.